The following is an entry in ClinVar:

ClinVar aggregate classification (germline): Conflicting classifications of pathogenicity. Review status: criteria provided, conflicting classifications (1 of 4 stars). 4 submissions from 4 submitters: Uncertain significance (1); Benign (1); Likely benign (2). Last evaluated 2025-12-15.

Conditions:
Inborn genetic diseases. Identifiers: MedGen C0950123, MeSH D030342.
SLC52A2-related disorder. Also called: SLC52A2-related condition.
Brown-Vialetto-van Laere syndrome 2. Also called: Riboflavin transporter deficiency type 2; SPINOCEREBELLAR ATAXIA WITH BLINDNESS AND DEAFNESS 2. Identifiers: Orphanet 572543, Orphanet 97229, MedGen C3553538, MONDO:0013867, OMIM 614707.

Allele frequency attached by ClinVar (database versions not stated): gnomAD exomes 0.00016 and 0.00031; ExAC 0.00030; TOPMed 0.00002; 1000 Genomes Project 0.00100; gnomAD 0.00013; 1000 Genomes Project 30x 0.00109.
gnomAD v4.1: 262 of 1,613,566 alleles (0.016%); highest among the groups gnomAD compares: South Asian, 0.27%; no homozygotes.

Submissions (4):

PreventionGenetics, part of Exact Sciences
Classification: Likely benign for SLC52A2-related condition. Last evaluated: 2025-12-15. Review status: criteria provided, single submitter. Criteria: ACMG Guidelines, 2015. Collection method: clinical testing. Allele origin: germline.
Comment: This variant is classified as likely benign based on ACMG/AMP sequence variant interpretation guidelines (Richards et al. 2015 PMID: 25741868, with internal and published modifications).

Labcorp Genetics (formerly Invitae), Labcorp
Classification: Benign for Brown-Vialetto-van Laere syndrome 2. Last evaluated: 2025-11-23. Review status: criteria provided, single submitter. Criteria: Invitae Variant Classification Sherloc (09022015). Collection method: clinical testing. Allele origin: germline.

Revvity Omics, Revvity
Classification: Uncertain significance for Brown-Vialetto-van Laere syndrome 2. Last evaluated: 2022-07-26. Review status: criteria provided, single submitter. Criteria: ACMG Guidelines, 2015. Collection method: clinical testing. Allele origin: germline.

Ambry Genetics
Classification: Likely benign for Inborn genetic diseases. Last evaluated: 2021-12-29. Review status: criteria provided, single submitter. Criteria: Ambry Variant Classification Scheme 2023. Collection method: clinical testing. Allele origin: germline.

NM_001363118.2(SLC52A2):c.1300C>T (p.His434Tyr)

Gene: SLC52A2 (solute carrier family 52 member 2; plus strand). Cytogenetic location: 8q24.3.
Variant type: single nucleotide variant.
Coding change: c.1300C>T on transcript NM_001363118.2 (MANE Select); coding-DNA position 1300, C replaced by T.
Protein change: p.His434Tyr; replaces histidine 434 with tyrosine.
Molecular consequence: missense variant. On other transcripts: non-coding transcript variant (1).
Genome position (GRCh38, 1-based): chr8:144,360,977, C>T. VCF-style: chr8-144360977-C-T. GRCh37 (hg19) VCF-style: chr8-145584637-C-T.
Other names: c.1300C>T, p.His434Tyr (NM_024531.5, NM_001253815.2, NM_001253816.2 and 2 more transcripts); c.808C>T, p.His270Tyr (NM_001363122.2); c.1300C>T (NM_001253816.1); short protein forms H270Y, H434Y.
Identifiers: ClinVar variation 1166373 (VCV001166373.13), dbSNP rs566858747, ClinGen allele CA4938464.